The following is an entry in ClinVar:

NM_003982.4(SLC7A7):c.1457T>C (p.Leu486Pro)

Gene: SLC7A7 (solute carrier family 7 member 7; minus strand). Cytogenetic location: 14q11.2.
Variant type: single nucleotide variant.
Coding change: c.1457T>C on transcript NM_003982.4 (MANE Select); coding-DNA position 1457, T replaced by C.
Protein change: p.Leu486Pro; replaces leucine 486 with proline.
Molecular consequence: missense variant.
Genome position (GRCh38, 1-based): chr14:22,773,689, A>G on the plus strand (T>C on the coding strand, the complement: SLC7A7 is on the minus strand). VCF-style: chr14-22773689-A-G. GRCh37 (hg19) VCF-style: chr14-23242898-A-G.
Other names: c.1457T>C, p.Leu486Pro (NM_001126105.3, NM_001126106.4); short protein forms L486P.
Identifiers: ClinVar variation 1400244 (VCV001400244.6), dbSNP rs781546826, ClinGen allele CA7104373.

ClinVar aggregate classification (germline): Uncertain significance (1 of 4 stars; one submission).

Conditions:
Lysinuric protein intolerance (LPI). Identifiers: Orphanet 470, MedGen C0268647, MONDO:0009109, OMIM 222700.

Allele frequency attached by ClinVar (database versions not stated): gnomAD exomes below 0.00001; ExAC 0.00001; TOPMed 0.00001; gnomAD 0.00002.
gnomAD v4.1: 9 of 1,614,070 alleles (0.00056%); highest among the groups gnomAD compares: Non-Finnish European, 0.00034%; no homozygotes.

Submission:

Labcorp Genetics (formerly Invitae), Labcorp
Classification: Uncertain significance for Lysinuric protein intolerance. Last evaluated: 2022-07-05. Review status: criteria provided, single submitter. Criteria: Invitae Variant Classification Sherloc (09022015). Collection method: clinical testing. Allele origin: germline.
Comment: This sequence change replaces leucine, which is neutral and non-polar, with proline, which is neutral and non-polar, at codon 486 of the SLC7A7 protein (p.Leu486Pro). This variant is present in population databases (rs781546826, gnomAD 0.004%). This variant has not been reported in the literature in individuals affected with SLC7A7-related conditions. ClinVar contains an entry for this variant (Variation ID: 1400244). Algorithms developed to predict the effect of missense changes on protein structure and function are either unavailable or do not agree on the potential impact of this missense change (SIFT: "Tolerated"; PolyPhen-2: "Possibly Damaging"; Align-GVGD: "Class C0"). In summary, the available evidence is currently insufficient to determine the role of this variant in disease. Therefore, it has been classified as a Variant of Uncertain Significance.